The following is an entry in ClinVar:

NM_020461.4(TUBGCP6):c.3544C>T (p.Arg1182Trp)

Gene: TUBGCP6 (tubulin gamma complex component 6; minus strand). Cytogenetic location: 22q13.33.
Variant type: single nucleotide variant.
Coding change: c.3544C>T on transcript NM_020461.4 (MANE Select); coding-DNA position 3544, C replaced by T.
Protein change: p.Arg1182Trp; replaces arginine 1182 with tryptophan.
Molecular consequence: missense variant.
Genome position (GRCh38, 1-based): chr22:50,220,815, G>A on the plus strand (C>T on the coding strand, the complement: TUBGCP6 is on the minus strand). VCF-style: chr22-50220815-G-A. GRCh37 (hg19) VCF-style: chr22-50659244-G-A.
Other names: short protein forms R1182W.
Identifiers: ClinVar variation 850713 (VCV000850713.6), dbSNP rs200003944, ClinGen allele CA10307915.

ClinVar aggregate classification (germline): Uncertain significance. Review status: criteria provided, multiple submitters, no conflicts (2 of 4 stars). 2 submissions from 2 submitters: Uncertain significance (2). Last evaluated 2024-05-23.

Conditions:
Inborn genetic diseases. Identifiers: MedGen C0950123, MeSH D030342.

Allele frequency attached by ClinVar (database versions not stated): TOPMed 0.00001; ExAC 0.00004; gnomAD exomes 0.00010 and 0.00011; gnomAD 0.00012; 1000 Genomes Project 30x 0.00016; 1000 Genomes Project 0.00020.

Submissions (2):

Ambry Genetics
Classification: Uncertain significance for Inborn genetic diseases. Last evaluated: 2024-05-23. Review status: criteria provided, single submitter. Criteria: Ambry Variant Classification Scheme 2023. Collection method: clinical testing. Allele origin: germline.

Labcorp Genetics (formerly Invitae), Labcorp
Classification: Uncertain significance. Last evaluated: 2022-08-16. Review status: criteria provided, single submitter. Criteria: Invitae Variant Classification Sherloc (09022015). Collection method: clinical testing. Allele origin: germline.
Comment: This sequence change replaces arginine, which is basic and polar, with tryptophan, which is neutral and slightly polar, at codon 1182 of the TUBGCP6 protein (p.Arg1182Trp). This variant is present in population databases (rs200003944, gnomAD 0.03%). This variant has not been reported in the literature in individuals affected with TUBGCP6-related conditions. ClinVar contains an entry for this variant (Variation ID: 850713). Algorithms developed to predict the effect of missense changes on protein structure and function output the following: SIFT: "Deleterious"; PolyPhen-2: "Probably Damaging"; Align-GVGD: "Class C0". The tryptophan amino acid residue is found in multiple mammalian species, which suggests that this missense change does not adversely affect protein function. In summary, the available evidence is currently insufficient to determine the role of this variant in disease. Therefore, it has been classified as a Variant of Uncertain Significance.